The following is an entry in ClinVar:

NM_001928.4(CFD):c.46G>A (p.Ala16Thr)

Gene: CFD (complement factor D; plus strand). Cytogenetic location: 19p13.3.
Variant type: single nucleotide variant.
Coding change: c.46G>A on transcript NM_001928.4 (MANE Select); coding-DNA position 46, G replaced by A.
Protein change: p.Ala16Thr; replaces alanine 16 with threonine.
Molecular consequence: missense variant.
Genome position (GRCh38, 1-based): chr19:859,735, G>A. VCF-style: chr19-859735-G-A. GRCh37 (hg19) VCF-style: chr19-859735-G-A.
Other names: c.46G>A, p.Ala16Thr (NM_001317335.2); short protein forms A16T.
Identifiers: ClinVar variation 1372595 (VCV001372595.8), dbSNP rs867133169, ClinGen allele CA303951282.
Genomic context (GRCh38, chr19:859,735, plus strand): 5'-CACAGCGGCTTCACCATGCACAGCTGGGAGCGCCTGGCAGTTCTGGTCCTCCTAGGAGCG[G>A]CCGCCTGCGGTGAGGAGGCCTGGGCCTGGGGTGAGGGACAGGGCTGTGTAGGGGCGTGGT-3'
Protein context (NP_001919.2, residues 6-26): RLAVLVLLGA[Ala16Thr]ACAAPPRGRI

ClinVar aggregate classification (germline): Uncertain significance (1 of 4 stars; one submission).

Allele frequency attached by ClinVar (database versions not stated): gnomAD exomes below 0.00001; TOPMed below 0.00001.
gnomAD v4.1: 4 of 1,571,122 alleles (0.00025%); highest among the groups gnomAD compares: African/African-American, 0.0013%; no homozygotes.

Submission:

Labcorp Genetics (formerly Invitae), Labcorp
Classification: Uncertain significance. Last evaluated: 2021-06-12. Review status: criteria provided, single submitter. Criteria: Invitae Variant Classification Sherloc (09022015). Collection method: clinical testing. Allele origin: germline.
Comment: This sequence change replaces alanine with threonine at codon 16 of the CFD protein (p.Ala16Thr). The alanine residue is moderately conserved and there is a small physicochemical difference between alanine and threonine. This variant is not present in population databases (ExAC no frequency). This variant has not been reported in the literature in individuals with CFD-related conditions. Algorithms developed to predict the effect of missense changes on protein structure and function are either unavailable or do not agree on the potential impact of this missense change (SIFT: "Not Available"; PolyPhen-2: "Benign"; Align-GVGD: "Not Available"). In summary, the available evidence is currently insufficient to determine the role of this variant in disease. Therefore, it has been classified as a Variant of Uncertain Significance.